The following is an entry in ClinVar:

ClinVar aggregate classification (germline): Benign/Likely benign. Review status: criteria provided, multiple submitters, no conflicts (2 of 4 stars). 5 submissions from 5 submitters: Benign (2); Likely benign (3). Last evaluated 2026-01-21.

Allele frequency attached by ClinVar (database versions not stated): gnomAD 0.00032 and 0.00046; TOPMed 0.00046; gnomAD exomes 0.00049 and 0.00088; 1000 Genomes Project 0.00080; ExAC 0.00088; 1000 Genomes Project 30x 0.00219.
gnomAD v4.1: 793 of 1,613,718 alleles (0.049%); highest among the groups gnomAD compares: East Asian, 1.7%; 11 homozygotes.

Submissions (5):

Labcorp Genetics (formerly Invitae), Labcorp
Classification: Benign. Last evaluated: 2026-01-21. Review status: criteria provided, single submitter. Criteria: Invitae Variant Classification Sherloc (09022015). Collection method: clinical testing. Allele origin: germline.

Mayo Clinic Laboratories, Mayo Clinic
Classification: Likely benign. Last evaluated: 2025-10-14. Review status: criteria provided, single submitter. Criteria: ACMG Guidelines, 2015. Collection method: clinical testing. Allele origin: germline. Observed: 3 variant alleles.
Comment: BS1, BP4, BP7

Blueprint Genetics
Classification: Likely benign. Last evaluated: 2024-10-09. Review status: criteria provided, single submitter. Criteria: ACMG Guidelines, 2015. Collection method: clinical testing. Allele origin: germline.

GeneDx
Classification: Likely benign. Last evaluated: 2018-01-23. Review status: criteria provided, single submitter. Criteria: GeneDx Variant Classification (06012015). Collection method: clinical testing. Allele origin: germline. Affected: yes.
Comment: This variant is considered likely benign or benign based on one or more of the following criteria: it is a conservative change, it occurs at a poorly conserved position in the protein, it is predicted to be benign by multiple in silico algorithms, and/or has population frequency not consistent with disease.

PreventionGenetics, part of Exact Sciences
Classification: Benign. Review status: criteria provided, single submitter. Criteria: ACMG Guidelines, 2015. Collection method: clinical testing. Allele origin: germline.

NM_020381.4(PDSS2):c.552A>C (p.Gly184=)

Gene: PDSS2 (decaprenyl diphosphate synthase subunit 2; minus strand). Cytogenetic location: 6q21.
Variant type: single nucleotide variant.
Coding change: c.552A>C on transcript NM_020381.4 (MANE Select); coding-DNA position 552, A replaced by C.
Protein change: p.Gly184=; no amino-acid change (glycine 184 retained).
Molecular consequence: synonymous variant.
Genome position (GRCh38, 1-based): chr6:107,274,107, T>G on the plus strand (A>C on the coding strand, the complement: PDSS2 is on the minus strand). VCF-style: chr6-107274107-T-G. GRCh37 (hg19) VCF-style: chr6-107595311-T-G.
Other names: p.Gly184=.
Identifiers: ClinVar variation 261253 (VCV000261253.12), dbSNP rs2302644, ClinGen allele CA3946095.